The following is an entry in ClinVar:

NM_001854.4(COL11A1):c.1612G>A (p.Gly538Arg)

Gene: COL11A1 (collagen type XI alpha 1 chain; minus strand). Cytogenetic location: 1p21.1.
Variant type: single nucleotide variant.
Coding change: c.1612G>A on transcript NM_001854.4 (MANE Select); coding-DNA position 1612, G replaced by A.
Protein change: p.Gly538Arg; replaces glycine 538 with arginine.
Molecular consequence: missense variant. On other transcripts: non-coding transcript variant (1).
Genome position (GRCh38, 1-based): chr1:103,012,430, C>T on the plus strand (G>A on the coding strand, the complement: COL11A1 is on the minus strand). VCF-style: chr1-103012430-C-T. GRCh37 (hg19) VCF-style: chr1-103477986-C-T.
Other names: c.1495G>A, p.Gly499Arg (NM_001190709.2); c.1648G>A, p.Gly550Arg (NM_080629.3); c.1264G>A, p.Gly422Arg (NM_080630.4); short protein forms G499R, G550R, G538R, G422R.
Identifiers: ClinVar variation 1487962 (VCV001487962.8), dbSNP rs2101890546, ClinGen allele CA341177239.
Genomic context (GRCh38, chr1:103,012,430, plus strand): 5'-TTTGAAAATTTTAACATATATTATCTTTGTTGGGGTAACCTACCACAGGACCTGGTCTTC[C>T]AGTTAGACCCATTGGGCCAGGTGGGCCTCTCAGAGCAATCTAGAAAACAAAATATATCAA-3'
Protein context (NP_001845.3, residues 528-548): RGPPGPMGLT[Gly538Arg]RPGPVGGPGS

ClinVar aggregate classification (germline): Uncertain significance (1 of 4 stars; one submission).

Allele frequency attached by ClinVar (database versions not stated): gnomAD exomes below 0.00001.
gnomAD v4.1: 1 of 1,613,432 alleles (0.000062%); highest among the groups gnomAD compares: Non-Finnish European, 0.000085%; no homozygotes.

Submission:

Labcorp Genetics (formerly Invitae), Labcorp
Classification: Uncertain significance. Last evaluated: 2025-04-11. Review status: criteria provided, single submitter. Criteria: Invitae Variant Classification Sherloc (09022015). Collection method: clinical testing. Allele origin: germline.
Comment: This sequence change replaces glycine, which is neutral and non-polar, with arginine, which is basic and polar, at codon 538 of the COL11A1 protein (p.Gly538Arg). This variant is not present in population databases (gnomAD no frequency). This variant has not been reported in the literature in individuals affected with COL11A1-related conditions. ClinVar contains an entry for this variant (Variation ID: 1487962). Invitae Evidence Modeling of protein sequence and biophysical properties (such as structural, functional, and spatial information, amino acid conservation, physicochemical variation, residue mobility, and thermodynamic stability) indicates that this missense variant is expected to disrupt COL11A1 protein function with a positive predictive value of 80%. In summary, the available evidence is currently insufficient to determine the role of this variant in disease. Therefore, it has been classified as a Variant of Uncertain Significance.